The following is an entry in ClinVar:

ClinVar aggregate classification (germline): Benign (0 of 4 stars; one submission).

Conditions:
NLRP14-related disorder. Also called: NLRP14-related condition.

Allele frequency attached by ClinVar (database versions not stated): 1000 Genomes Project 30x 0.01359; 1000 Genomes Project 0.01438; TOPMed 0.02189; gnomAD 0.02324; ESP Exome Variant Server 0.02601; ExAC 0.02864.
gnomAD v4.1: 50,372 of 1,611,794 alleles (3.1%); highest among the groups gnomAD compares: Middle Eastern, 4.9%; 914 homozygotes.

Submission:

PreventionGenetics, part of Exact Sciences
Classification: Benign for NLRP14-related condition. Last evaluated: 2019-06-14. Review status: no assertion criteria provided. Collection method: clinical testing. Allele origin: germline.
Comment: This variant is classified as benign based on ACMG/AMP sequence variant interpretation guidelines (Richards et al. 2015 PMID: 25741868, with internal and published modifications).

NM_176822.4(NLRP14):c.293C>T (p.Ser98Leu)

Gene: NLRP14 (NLR family pyrin domain containing 14; plus strand). Cytogenetic location: 11p15.4.
Variant type: single nucleotide variant.
Coding change: c.293C>T on transcript NM_176822.4 (MANE Select); coding-DNA position 293, C replaced by T.
Protein change: p.Ser98Leu; replaces serine 98 with leucine.
Molecular consequence: missense variant.
Genome position (GRCh38, 1-based): chr11:7,039,717, C>T. VCF-style: chr11-7039717-C-T. GRCh37 (hg19) VCF-style: chr11-7060948-C-T.
Other names: short protein forms S98L.
Identifiers: ClinVar variation 3059218 (VCV003059218.2), dbSNP rs117823353, ClinGen allele CA5864535.